The following is an entry in ClinVar:

ClinVar aggregate classification (germline): Uncertain significance (1 of 4 stars; one submission).

Conditions:
Cardiovascular phenotype. Identifiers: MedGen CN230736.

gnomAD v4.1: 1 of 1,612,862 alleles (0.000062%); highest among the groups gnomAD compares: South Asian, 0.0011%; no homozygotes.

Submission:

Ambry Genetics
Classification: Uncertain significance for Cardiovascular phenotype. Last evaluated: 2026-07-21. Review status: criteria provided, single submitter. Criteria: Ambry Variant Classification Scheme 2023. Collection method: clinical testing. Allele origin: germline.
Comment: The p.S2107F variant (also known as c.6320C>T), located in coding exon 17 of the TNXB gene, results from a C to T substitution at nucleotide position 6320. The serine at codon 2107 is replaced by phenylalanine, an amino acid with highly dissimilar properties. This amino acid position is conserved. In addition, this alteration is predicted to be tolerated by in silico analysis. Based on the available evidence, the clinical significance of this variant remains unclear.

NM_001365276.2(TNXB):c.6320C>T (p.Ser2107Phe)

Gene: TNXB (tenascin XB; minus strand). Cytogenetic location: 6p21.33.
Variant type: single nucleotide variant.
Coding change: c.6320C>T on transcript NM_001365276.2 (MANE Select); coding-DNA position 6320, C replaced by T.
Protein change: p.Ser2107Phe; replaces serine 2107 with phenylalanine.
Molecular consequence: missense variant.
Genome position (GRCh38, 1-based): chr6:32,067,885, G>A on the plus strand (C>T on the coding strand, the complement: TNXB is on the minus strand). VCF-style: chr6-32067885-G-A. GRCh37 (hg19) VCF-style: chr6-32035662-G-A.
Other names: c.7061C>T, p.Ser2354Phe (NM_001428335.1); c.6320C>T, p.Ser2107Phe (NM_019105.8); short protein forms S2107F, S2354F.
Identifiers: ClinVar variation 5031026 (VCV005031026.1).
Genomic context (GRCh38, chr6:32,067,885, plus strand): 5'-ACGGTGAAGGAGTCGAAGCGGCCCTGGGGGACGGTCCAGGAGAGGCTCAGCGAGTCAGGG[G>A]AGGATCCTGTCACTGTTAGCTCCCCCAGGAGCGGCTCCTCAGCGGGCTCCGGGGCCTCCA-3'
Protein context (NP_001352205.1, residues 2097-2117): LLGELTVTGS[Ser2107Phe]PDSLSLSWTV